The following is an entry in ClinVar:

NM_000053.4(ATP7B):c.13G>A (p.Glu5Lys)

Gene: ATP7B (ATPase copper transporting beta; minus strand). Cytogenetic location: 13q14.3.
Variant type: single nucleotide variant.
Coding change: c.13G>A on transcript NM_000053.4 (MANE Select); coding-DNA position 13, G replaced by A.
Protein change: p.Glu5Lys; replaces glutamic acid 5 with lysine.
Molecular consequence: missense variant.
Genome position (GRCh38, 1-based): chr13:52,011,325, C>T on the plus strand (G>A on the coding strand, the complement: ATP7B is on the minus strand). VCF-style: chr13-52011325-C-T. GRCh37 (hg19) VCF-style: chr13-52585461-C-T.
Other names: c.13G>A, p.Glu5Lys (NM_001005918.3, NM_001243182.2, NM_001330578.2 and 30 more transcripts); c.-175G>A (NM_001406518.1); c.-117G>A (NM_001406539.1, NM_001406543.1); short protein forms E5K.
Identifiers: ClinVar variation 2101990 (VCV002101990.4), dbSNP rs757341859, ClinGen allele CA388047695.

ClinVar aggregate classification (germline): Uncertain significance (1 of 4 stars; one submission).

Conditions:
Wilson disease (WND). Also called: Wilson's disease. Identifiers: Orphanet 905, MedGen C0019202, MONDO:0010200, OMIM 277900. Disease mechanism: loss of function.

gnomAD v4.1: 2 of 1,614,246 alleles (0.00012%); highest among the groups gnomAD compares: Non-Finnish European, 0.00017%; no homozygotes.

Submission:

Labcorp Genetics (formerly Invitae), Labcorp
Classification: Uncertain significance for Wilson disease. Last evaluated: 2022-03-01. Review status: criteria provided, single submitter. Criteria: Invitae Variant Classification Sherloc (09022015). Collection method: clinical testing. Allele origin: germline.
Comment: In summary, the available evidence is currently insufficient to determine the role of this variant in disease. Therefore, it has been classified as a Variant of Uncertain Significance. Advanced modeling of protein sequence and biophysical properties (such as structural, functional, and spatial information, amino acid conservation, physicochemical variation, residue mobility, and thermodynamic stability) performed at Invitae indicates that this missense variant is not expected to disrupt ATP7B protein function. This variant has not been reported in the literature in individuals affected with ATP7B-related conditions. This variant is not present in population databases (gnomAD no frequency). This sequence change replaces glutamic acid, which is acidic and polar, with lysine, which is basic and polar, at codon 5 of the ATP7B protein (p.Glu5Lys).